The following is an entry in ClinVar:

ClinVar aggregate classification (germline): Uncertain significance (1 of 4 stars; one submission).

Conditions:
Desmin-related myofibrillar myopathy (MFM1). Also called: Desminopathy; Desmin related myopathy (former name); Desmin storage myopathy (former name); Myofibrillar myopathy 1; MYOFIBRILLAR MYOPATHY WITH ARRHYTHMOGENIC RIGHT VENTRICULAR CARDIOMYOPATHY; DESMIN-RELATED MYOPATHY WITH ARRHYTHMOGENIC RIGHT VENTRICULAR CARDIOMYOPATHY. Identifiers: Orphanet 363543, Orphanet 98909, MedGen C1832370, MONDO:0011076, OMIM 601419.

Submission:

Labcorp Genetics (formerly Invitae), Labcorp
Classification: Uncertain significance for Desmin-related myofibrillar myopathy. Last evaluated: 2023-04-22. Review status: criteria provided, single submitter. Criteria: Invitae Variant Classification Sherloc (09022015). Collection method: clinical testing. Allele origin: germline.
Comment: In summary, the available evidence is currently insufficient to determine the role of this variant in disease. Therefore, it has been classified as a Variant of Uncertain Significance. Advanced modeling of protein sequence and biophysical properties (such as structural, functional, and spatial information, amino acid conservation, physicochemical variation, residue mobility, and thermodynamic stability) has been performed at Invitae for this missense variant, however the output from this modeling did not meet the statistical confidence thresholds required to predict the impact of this variant on DES protein function. ClinVar contains an entry for this variant (Variation ID: 541303). This missense change has been observed in individual(s) with dilated cardiomyopathy (Invitae). This variant is not present in population databases (gnomAD no frequency). This sequence change replaces arginine, which is basic and polar, with serine, which is neutral and polar, at codon 10 of the DES protein (p.Arg10Ser).

NM_001927.4(DES):c.28C>A (p.Arg10Ser)

Gene: DES (desmin; plus strand). Cytogenetic location: 2q35.
Variant type: single nucleotide variant.
Coding change: c.28C>A on transcript NM_001927.4 (MANE Select); coding-DNA position 28, C replaced by A.
Protein change: p.Arg10Ser; replaces arginine 10 with serine.
Molecular consequence: missense variant.
Genome position (GRCh38, 1-based): chr2:219,418,490, C>A. VCF-style: chr2-219418490-C-A. GRCh37 (hg19) VCF-style: chr2-220283212-C-A.
Other names: c.28C>A (LRG_380t1); short protein forms R10S.
Identifiers: ClinVar variation 541303 (VCV000541303.9), dbSNP rs1196125127, ClinGen allele CA350682178.